The following is an entry in ClinVar:

ClinVar aggregate classification (germline): Uncertain significance. Review status: criteria provided, multiple submitters, no conflicts (2 of 4 stars). 3 submissions from 3 submitters: Uncertain significance (3). Last evaluated 2026-03-01.

Conditions:
Inborn genetic diseases. Identifiers: MedGen C0950123, MeSH D030342.

Allele frequency attached by ClinVar (database versions not stated): gnomAD 0.00004; ExAC 0.00005; gnomAD exomes 0.00008; TOPMed 0.00008.
gnomAD v4.1: 29 of 1,613,956 alleles (0.0018%); highest among the groups gnomAD compares: East Asian, 0.027%; no homozygotes.

Submissions (3):

CeGaT Center for Human Genetics Tuebingen
Classification: Uncertain significance. Last evaluated: 2026-03-01. Review status: criteria provided, single submitter. Criteria: CeGaT Center For Human Genetics Tuebingen Variant Classification Criteria Version 2. Collection method: clinical testing. Allele origin: germline. Affected: yes. Observed: 1 variant allele.
Comment: LAMA1: PM2

Ambry Genetics
Classification: Uncertain significance for Inborn genetic diseases. Last evaluated: 2024-07-05. Review status: criteria provided, single submitter. Criteria: Ambry Variant Classification Scheme 2023. Collection method: clinical testing. Allele origin: germline.

Labcorp Genetics (formerly Invitae), Labcorp
Classification: Uncertain significance. Last evaluated: 2024-02-05. Review status: criteria provided, single submitter. Criteria: Invitae Variant Classification Sherloc (09022015). Collection method: clinical testing. Allele origin: germline.
Comment: This sequence change replaces glycine, which is neutral and non-polar, with arginine, which is basic and polar, at codon 527 of the LAMA1 protein (p.Gly527Arg). This variant is present in population databases (rs748714561, gnomAD 0.07%). This variant has not been reported in the literature in individuals affected with LAMA1-related conditions. ClinVar contains an entry for this variant (Variation ID: 1445516). An algorithm developed to predict the effect of missense changes on protein structure and function (PolyPhen-2) suggests that this variant is likely to be disruptive. In summary, the available evidence is currently insufficient to determine the role of this variant in disease. Therefore, it has been classified as a Variant of Uncertain Significance.

NM_005559.4(LAMA1):c.1579G>A (p.Gly527Arg)

Gene: LAMA1 (laminin subunit alpha 1; minus strand). Cytogenetic location: 18p11.31.
Variant type: single nucleotide variant.
Coding change: c.1579G>A on transcript NM_005559.4 (MANE Select); coding-DNA position 1579, G replaced by A.
Protein change: p.Gly527Arg; replaces glycine 527 with arginine.
Molecular consequence: missense variant.
Genome position (GRCh38, 1-based): chr18:7,037,736, C>T on the plus strand (G>A on the coding strand, the complement: LAMA1 is on the minus strand). VCF-style: chr18-7037736-C-T. GRCh37 (hg19) VCF-style: chr18-7037735-C-T.
Other names: c.1579G>A (NM_005559.3); short protein forms G527R.
Identifiers: ClinVar variation 1445516 (VCV001445516.13), dbSNP rs748714561, ClinGen allele CA8882945.